The following is an entry in ClinVar:

ClinVar aggregate classification (germline): Pathogenic/Likely pathogenic. Review status: criteria provided, multiple submitters, no conflicts (2 of 4 stars). 7 submissions from 7 submitters: Pathogenic (6); Likely pathogenic (1). Last evaluated 2026-01-13.

Conditions:
Congenital myasthenic syndrome (CMS). Also called: Congenital Myasthenic Syndromes. Identifiers: Orphanet 590, MedGen C0751882, MeSH D020294, MONDO:0018940.
Congenital myasthenic syndrome 5. Identifiers: Orphanet 590, MedGen C1864233, MONDO:0011281, OMIM 603034.

Allele frequency attached by ClinVar (database versions not stated): gnomAD 0.00002 and 0.00003; TOPMed 0.00002; gnomAD exomes 0.00003; 1000 Genomes Project 30x 0.00016; 1000 Genomes Project 0.00020.
gnomAD v4.1: 28 of 1,611,068 alleles (0.0017%); highest among the groups gnomAD compares: Admixed American, 0.005%; no homozygotes.

Submissions (7):

Labcorp Genetics (formerly Invitae), Labcorp
Classification: Pathogenic for Congenital myasthenic syndrome 5. Last evaluated: 2026-01-13. Review status: criteria provided, single submitter. Criteria: Invitae Variant Classification Sherloc (09022015). Collection method: clinical testing. Allele origin: germline.
Comment: This sequence change replaces arginine, which is basic and polar, with tryptophan, which is neutral and slightly polar, at codon 410 of the COLQ protein (p.Arg410Trp). The frequency data for this variant in the population databases is considered unreliable, as metrics indicate poor data quality at this position in the gnomAD database. This missense change has been observed in individual(s) with congenital myasthenic syndrome (PMID: 21952943, 22088788, 25557462, 28024842, 30124556). In at least one individual the data is consistent with being in trans (on the opposite chromosome) from a pathogenic variant. It has also been observed to segregate with disease in related individuals. ClinVar contains an entry for this variant (Variation ID: 381725). Invitae Evidence Modeling of protein sequence and biophysical properties (such as structural, functional, and spatial information, amino acid conservation, physicochemical variation, residue mobility, and thermodynamic stability) indicates that this missense variant is not expected to disrupt COLQ protein function with a negative predictive value of 80%. This variant disrupts the p.Arg410 amino acid residue in COLQ. Other variant(s) that disrupt this residue have been observed in individuals with COLQ-related conditions (PMID: 14702351), which suggests that this may be a clinically significant amino acid residue. For these reasons, this variant has been classified as Pathogenic.

Baylor Genetics
Classification: Pathogenic for Congenital myasthenic syndrome 5. Last evaluated: 2024-03-14. Review status: criteria provided, single submitter. Criteria: ACMG Guidelines, 2015. Collection method: clinical testing. Allele origin: unknown.

Fulgent Genetics
Classification: Pathogenic for Congenital myasthenic syndrome 5. Last evaluated: 2024-02-16. Review status: criteria provided, single submitter. Criteria: ACMG Guidelines, 2015. Collection method: clinical testing. Allele origin: germline.

GeneDx
Classification: Pathogenic. Last evaluated: 2023-10-03. Review status: criteria provided, single submitter. Criteria: GeneDx Variant Classification Process June 2021. Collection method: clinical testing. Allele origin: germline. Affected: yes.
Comment: In silico analysis, which includes protein predictors and evolutionary conservation, supports a deleterious effect; This variant is associated with the following publications: (PMID: 22088788, 25557462, 30124556, 21952943, 33487521, 28024842, 37231228, 37721175, 31889643)

3billion
Classification: Pathogenic for Congenital myasthenic syndrome 5. Last evaluated: 2023-02-23. Review status: criteria provided, single submitter. Criteria: ACMG Guidelines, 2015. Collection method: clinical testing. Allele origin: unknown. Affected: yes.
Comment: The variant is observed at an extremely low frequency in the gnomAD v2.1.1 dataset (total allele frequency: 0.003%). Protein truncation variants are a common disease-causing mechanism. In silico tool predictions suggest damaging effect of the variant on gene or gene product (REVEL: 0.84). Same nucleotide change resulting in same amino acid change has been previously reported as pathogenic/likely pathogenic with strong evidence (ClinVar ID: VCV000381725). The variant has been reported to be in trans with a pathogenic variant as either compound heterozygous or homozygous in at least 2 similarly affected unrelated individuals (PMID: 21952943, 22088788, 25557462, 28024842, 30124556). Different missense changes at the same codon (p.Arg410Gln, p.Arg410Pro) have been reported to be associated with COLQ related disorder (ClinVar ID: VCV000938138 / PMID: 10665486, 14702351). Therefore, this variant is classified as Pathogenic according to the recommendation of ACMG/AMP guideline.

Women's Health and Genetics/Laboratory Corporation of America, LabCorp
Classification: Pathogenic for Congenital myasthenic syndrome. Last evaluated: 2023-01-31. Review status: criteria provided, single submitter. Criteria: LabCorp Variant Classification Summary - May 2015. Collection method: clinical testing. Allele origin: germline.
Comment: Variant summary: COLQ c.1228C>T (p.Arg410Trp) results in a non-conservative amino acid change in the encoded protein sequence. Five of five in-silico tools predict a damaging effect of the variant on protein function. The variant allele was found at a frequency of 2.8e-05 in 245856 control chromosomes. c.1228C>T has been reported in the literature in multiple individuals affected with Congenital Myasthenic Syndrome. These data indicate that the variant is very likely to be associated with disease. Two clinical diagnostic laboratories have submitted clinical-significance assessments for this variant to ClinVar after 2014 without evidence for independent evaluation. Both laboratories classified the variant as pathogenic/likely pathogenic. Based on the evidence outlined above, the variant was classified as pathogenic.

Kariminejad - Najmabadi Pathology & Genetics Center
Classification: Likely pathogenic for Congenital myasthenic syndrome 5. Last evaluated: 2021-05-30. Review status: criteria provided, single submitter. Criteria: ACMG Guidelines, 2015. Collection method: clinical testing. Allele origin: germline. Inheritance: Autosomal recessive inheritance. Affected: yes.
Comment: PM2,PP3,PP5,PM5

Literature cited by the submitters: PubMed 21952943 (cited by Labcorp Genetics (formerly Invitae), Labcorp and 3billion); PubMed 22088788 (cited by Labcorp Genetics (formerly Invitae), Labcorp and 3billion); PubMed 25557462 (cited by Labcorp Genetics (formerly Invitae), Labcorp and 3billion); PubMed 28024842 (cited by 3 submitters); PubMed 30124556 (cited by Labcorp Genetics (formerly Invitae), Labcorp and 3billion); PubMed 14702351 (cited by Labcorp Genetics (formerly Invitae), Labcorp and 3billion); PubMed 10665486 (cited by 3billion).

NM_005677.4(COLQ):c.1228C>T (p.Arg410Trp)

Gene: COLQ (collagen like tail subunit of asymmetric acetylcholinesterase; minus strand). Cytogenetic location: 3p25.1.
Variant type: single nucleotide variant.
Coding change: c.1228C>T on transcript NM_005677.4 (MANE Select); coding-DNA position 1228, C replaced by T.
Protein change: p.Arg410Trp; replaces arginine 410 with tryptophan.
Molecular consequence: missense variant.
Genome position (GRCh38, 1-based): chr3:15,453,899, G>A on the plus strand (C>T on the coding strand, the complement: COLQ is on the minus strand). VCF-style: chr3-15453899-G-A. GRCh37 (hg19) VCF-style: chr3-15495406-G-A.
Other names: c.1198C>T, p.Arg400Trp (NM_080538.2); c.1126C>T, p.Arg376Trp (NM_080539.4); short protein forms R410W, R400W, R376W.
Identifiers: ClinVar variation 381725 (VCV000381725.20), dbSNP rs139574075, ClinGen allele CA2275821.
Genomic context (GRCh38, chr3:15,453,899, plus strand): 5'-AGGTCTCGCATGTCAGGTAGCCAAAGTCAGAGCCGTCACAGTCCTCCACACCCTCATGCC[G>A]GTGACCATCTCCACAGTAGGCACGGTGACAGCCTGAGGGGACATAAGGAGGTGCAGTCTT-3'
Protein context (NP_005668.2, residues 400-420): CHRAYCGDGH[Arg410Trp]HEGVEDCDGS